The following is an entry in ClinVar:

ClinVar aggregate classification (germline): Likely benign. Review status: criteria provided, multiple submitters, no conflicts (2 of 4 stars). 2 submissions from 2 submitters: Likely benign (2). Last evaluated 2026-01-20.

Allele frequency attached by ClinVar (database versions not stated): gnomAD 0.00142 and 0.00150; gnomAD exomes 0.00112 and 0.00176; 1000 Genomes Project 30x 0.00047; ExAC 0.00103; 1000 Genomes Project 0.00040; TOPMed 0.00152; ESP Exome Variant Server 0.00208.

Submissions (2):

Labcorp Genetics (formerly Invitae), Labcorp
Classification: Likely benign. Last evaluated: 2026-01-20. Review status: criteria provided, single submitter. Criteria: Invitae Variant Classification Sherloc (09022015). Collection method: clinical testing. Allele origin: germline.

Mayo Clinic Laboratories, Mayo Clinic
Classification: Likely benign. Last evaluated: 2025-06-24. Review status: criteria provided, single submitter. Criteria: ACMG Guidelines, 2015. Collection method: clinical testing. Allele origin: germline. Observed: 3 variant alleles.
Comment: BP4, BP7

NM_013246.3(CLCF1):c.276G>A (p.Glu92=)

Genes: CLCF1 (cardiotrophin like cytokine factor 1; minus strand), LOC100130987 (uncharacterized LOC100130987; plus strand). Cytogenetic location: 11q13.2.
Variant type: single nucleotide variant.
Coding change: c.276G>A on transcript NM_013246.3 (MANE Select); coding-DNA position 276, G replaced by A.
Protein change: p.Glu92=; no amino-acid change (glutamic acid 92 retained).
Molecular consequence: synonymous variant.
Genome position (GRCh38, 1-based): chr11:67,365,538, C>T on the plus strand (G>A on the coding strand, the complement: CLCF1 is on the minus strand). VCF-style: chr11-67365538-C-T. GRCh37 (hg19) VCF-style: chr11-67133009-C-T.
Other names: p.Glu92=; c.246G>A, p.Glu82= (NM_001166212.2).
Identifiers: ClinVar variation 768458 (VCV000768458.6), dbSNP rs145660153, ClinGen allele CA6136135.